The following is an entry in ClinVar:

NM_018706.7(DHTKD1):c.2629C>G (p.Pro877Ala)

Gene: DHTKD1 (dehydrogenase E1 and transketolase domain containing 1; plus strand). Cytogenetic location: 10p14.
Variant type: single nucleotide variant.
Coding change: c.2629C>G on transcript NM_018706.7 (MANE Select); coding-DNA position 2629, C replaced by G.
Protein change: p.Pro877Ala; replaces proline 877 with alanine.
Molecular consequence: missense variant.
Genome position (GRCh38, 1-based): chr10:12,120,238, C>G. VCF-style: chr10-12120238-C-G. GRCh37 (hg19) VCF-style: chr10-12162237-C-G.
Other names: short protein forms P877A.
Identifiers: ClinVar variation 1330887 (VCV001330887.13), dbSNP rs762777348, ClinGen allele CA5408332.

ClinVar aggregate classification (germline): Uncertain significance. Review status: criteria provided, multiple submitters, no conflicts (2 of 4 stars). 2 submissions from 2 submitters: Uncertain significance (2). Last evaluated 2025-12-16.

Conditions:
2-aminoadipic 2-oxoadipic aciduria (AAKAD). Also called: Aminoadipic aciduria; ALPHA-AMINOADIPIC AND ALPHA-KETOADIPIC ACIDURIA. Identifiers: Orphanet 79154, MedGen C1859817, MONDO:0008774, OMIM 204750.

Allele frequency attached by ClinVar (database versions not stated): ExAC 0.00001; gnomAD exomes 0.00002 and 0.00006; TOPMed 0.00003; gnomAD 0.00004.

Submissions (2):

Labcorp Genetics (formerly Invitae), Labcorp
Classification: Uncertain significance for 2-aminoadipic 2-oxoadipic aciduria. Last evaluated: 2025-12-16. Review status: criteria provided, single submitter. Criteria: Invitae Variant Classification Sherloc (09022015). Collection method: clinical testing. Allele origin: germline.
Comment: This sequence change replaces proline, which is neutral and non-polar, with alanine, which is neutral and non-polar, at codon 877 of the DHTKD1 protein (p.Pro877Ala). This variant is present in population databases (rs762777348, gnomAD 0.004%). This variant has not been reported in the literature in individuals affected with DHTKD1-related conditions. ClinVar contains an entry for this variant (Variation ID: 1330887). Invitae Evidence Modeling of protein sequence and biophysical properties (such as structural, functional, and spatial information, amino acid conservation, physicochemical variation, residue mobility, and thermodynamic stability) indicates that this missense variant is not expected to disrupt DHTKD1 protein function with a negative predictive value of 80%. In summary, the available evidence is currently insufficient to determine the role of this variant in disease. Therefore, it has been classified as a Variant of Uncertain Significance.

ARUP Laboratories, Molecular Genetics and Genomics, ARUP Laboratories
Classification: Uncertain significance. Last evaluated: 2020-11-18. Review status: criteria provided, single submitter. Criteria: ARUP Molecular Germline Variant Investigation Process 2021. Collection method: clinical testing. Allele origin: germline.
Comment: The DHTKD1 c.2629C>G, p.Pro877Ala variant (rs762777348), to our knowledge, is not reported in the medical literature or gene specific databases. This variant is found in the non-Finnish European population with an allele frequency of 0.0044% (5/113,766 alleles) in the Genome Aggregation Database. The proline at codon 877 is highly conserved, but computational analyses are uncertain whether this variant is neutral or deleterious (REVEL: 0.371). Due to limited information, the clinical significance of this variant is uncertain at this time.